The following is an entry in ClinVar:

NM_001127644.2(GABRA1):c.839C>T (p.Pro280Leu)

Gene: GABRA1 (gamma-aminobutyric acid type A receptor subunit alpha1; plus strand). Cytogenetic location: 5q34.
Variant type: single nucleotide variant.
Coding change: c.839C>T on transcript NM_001127644.2 (MANE Select); coding-DNA position 839, C replaced by T.
Protein change: p.Pro280Leu; replaces proline 280 with leucine.
Molecular consequence: missense variant.
Genome position (GRCh38, 1-based): chr5:161,891,033, C>T. VCF-style: chr5-161891033-C-T. GRCh37 (hg19) VCF-style: chr5-161318039-C-T.
Other names: c.839C>T, p.Pro280Leu (NM_000806.5, NM_001127643.2, NM_001127645.2 and 1 more transcripts); short protein forms P280L.
Identifiers: ClinVar variation 1803029 (VCV001803029.2), dbSNP rs2532280628, ClinGen allele CA362180018.

ClinVar aggregate classification (germline): Likely pathogenic. Review status: criteria provided, multiple submitters, no conflicts (2 of 4 stars). 2 submissions from 2 submitters: Likely pathogenic (2). Last evaluated 2024-07-09.

Conditions:
Developmental and epileptic encephalopathy, 19 (DEE19). Also called: Epileptic encephalopathy, early infantile, 19. Identifiers: Orphanet 33069, MedGen C3810400, MONDO:0014328, OMIM 615744.

Submissions (2):

3billion
Classification: Likely pathogenic for Developmental and epileptic encephalopathy, 19. Last evaluated: 2024-07-09. Review status: criteria provided, single submitter. Criteria: ACMG Guidelines, 2015. Collection method: clinical testing. Allele origin: germline. Affected: yes.
Comment: The variant is not observed in the gnomAD v4.0.0 dataset. Predicted Consequence/Location: Missense changes are a common disease-causing mechanism. In silico tool predictions suggest damaging effect of the variant on gene or gene product [REVEL: 0.90 (>=0.6, sensitivity 0.68 and specificity 0.92); 3Cnet: 0.99 (>=0.6, sensitivity 0.72 and precision 0.9)]. The same nucleotide change resulting in the same amino acid change has been previously reported to be associated with GABRA1-related disorder (ClinVar ID: VCV001803029).A different missense change at the same codon (p.Pro280Gln) has been reported to be associated with GABRA1-related disorder (ClinVar ID: VCV002942901). Therefore, this variant is classified as Likely pathogenic according to the recommendation of ACMG/AMP guideline.

Diagnostic Genetics, Severance Hospital, Yonsei University College of Medicine
Classification: Likely pathogenic for Developmental and epileptic encephalopathy, 19. Last evaluated: 2022-02-03. Review status: criteria provided, single submitter. Criteria: ACMG Guidelines, 2015. Collection method: clinical testing. Allele origin: de novo. Affected: yes.